The following is an entry in ClinVar:

ClinVar aggregate classification (germline): Uncertain significance (1 of 4 stars; one submission).

Allele frequency attached by ClinVar (database versions not stated): gnomAD exomes below 0.00001.
gnomAD v4.1: 1 of 1,614,022 alleles (0.000062%); highest among the groups gnomAD compares: South Asian, 0.0011%; no homozygotes.

Submission:

GeneDx
Classification: Uncertain significance. Last evaluated: 2021-04-05. Review status: criteria provided, single submitter. Criteria: GeneDx Variant Classification Process June 2021. Collection method: clinical testing. Allele origin: germline. Affected: yes.
Comment: Not observed in large population cohorts (Lek et al., 2016); In silico analysis supports that this missense variant has a deleterious effect on protein structure/function; Has not been previously published as pathogenic or benign to our knowledge

NM_001205293.3(CACNA1E):c.4353C>G (p.Ile1451Met)

Gene: CACNA1E (calcium voltage-gated channel subunit alpha1 E; plus strand). Cytogenetic location: 1q25.3.
Variant type: single nucleotide variant.
Coding change: c.4353C>G on transcript NM_001205293.3 (MANE Select); coding-DNA position 4353, C replaced by G.
Protein change: p.Ile1451Met; replaces isoleucine 1451 with methionine.
Molecular consequence: missense variant.
Genome position (GRCh38, 1-based): chr1:181,757,970, C>G. VCF-style: chr1-181757970-C-G. GRCh37 (hg19) VCF-style: chr1-181727106-C-G.
Other names: c.4353C>G, p.Ile1451Met (NM_000721.4); c.4296C>G, p.Ile1432Met (NM_001205294.2); short protein forms I1432M, I1451M.
Identifiers: ClinVar variation 1314344 (VCV001314344.2), dbSNP rs775005495, ClinGen allele CA343624727.